The following is an entry in ClinVar:

NM_017780.4(CHD7):c.1037_1040del (p.Arg346fs)

Gene: CHD7 (chromodomain helicase DNA binding protein 7; plus strand). Cytogenetic location: 8q12.2.
Variant type: Deletion.
Coding change: c.1037_1040del on transcript NM_017780.4 (MANE Select); coding-DNA positions 1037 to 1040, 4 bases deleted (GATA; older notation c.1037_1040delGATA).
Protein change: p.Arg346fs; shifts the reading frame from arginine 346.
Molecular consequence: frameshift variant.
Genome position (GRCh38, 1-based): chr8:60,742,469-60,742,472, GATA deleted; deleting any 4 consecutive bases within chr8:60,742,468-60,742,472 gives the same sequence; the c. name uses the placement nearest the transcript's 3' end. VCF-style (leftmost placement, unchanged base first): chr8-60742467-AAGAT-A. GRCh37 (hg19) VCF-style: chr8-61655026-AAGAT-A.
Other names: c.1037_1040del, p.Arg346fs (NM_001316690.1); short protein forms R346fs.
Identifiers: ClinVar variation 1452018 (VCV001452018.6), dbSNP rs2150579872, ClinGen allele CA2573143245.
Genomic context (GRCh38, chr8:60,742,467, plus strand): 5'-TACAGGGATGAATCAAAATTTAGGCCTTACAAATAATACTCCAATGAATCAGTCCGTACC[AAGAT>A]ACCCCAATGCTGTAGGATTCCCATCAAACAGTGGTCAAGGACTAATGCACCAGCAGCCCA-3'

ClinVar aggregate classification (germline): Pathogenic (1 of 4 stars; one submission).

Conditions:
CHARGE syndrome (CHARGE). Also called: Coloboma, heart anomaly, choanal atresia, retardation, genital and ear anomalies; CHARGE association; Hall-Hittner syndrome; Hittner Hirsch Kreh syndrome; CHARGE ASSOCIATION--COLOBOMA, HEART ANOMALY, CHOANAL ATRESIA, RETARDATION, GENITAL AND EAR ANOMALIES. Identifiers: Orphanet 138, MedGen C0265354, MONDO:0008965.

Submission:

Labcorp Genetics (formerly Invitae), Labcorp
Classification: Pathogenic for CHARGE syndrome. Last evaluated: 2021-10-29. Review status: criteria provided, single submitter. Criteria: Invitae Variant Classification Sherloc (09022015). Collection method: clinical testing. Allele origin: germline.
Comment: For these reasons, this variant has been classified as Pathogenic. This variant has not been reported in the literature in individuals affected with CHD7-related conditions. This variant is not present in population databases (gnomAD no frequency). This sequence change creates a premature translational stop signal (p.Arg346Thrfs*5) in the CHD7 gene. It is expected to result in an absent or disrupted protein product. Loss-of-function variants in CHD7 are known to be pathogenic (PMID: 22461308, 25077900).

Literature cited by the submitters: PubMed 22461308; PubMed 25077900.